The following is an entry in ClinVar:

NM_001184.4(ATR):c.344C>G (p.Ser115Cys)

Gene: ATR (ATR serine/threonine kinase; minus strand). Cytogenetic location: 3q23.
Variant type: single nucleotide variant.
Coding change: c.344C>G on transcript NM_001184.4 (MANE Select); coding-DNA position 344, C replaced by G.
Protein change: p.Ser115Cys; replaces serine 115 with cysteine.
Molecular consequence: missense variant.
Genome position (GRCh38, 1-based): chr3:142,563,058, G>C on the plus strand (C>G on the coding strand, the complement: ATR is on the minus strand). VCF-style: chr3-142563058-G-C. GRCh37 (hg19) VCF-style: chr3-142281900-G-C.
Other names: c.344C>G, p.Ser115Cys (NM_001354579.2); short protein forms S115C.
Identifiers: ClinVar variation 3462624 (VCV003462624.1).
Genomic context (GRCh38, chr3:142,563,058, plus strand): 5'-TTAAAAAGAAATAATAATGAACAGATGACTTCACAGATTTTCTTGTGTAACAAATGACAG[G>C]AGGGAGTTGCTGCAATCCGCAGAAGTCTCGTTATGATCCAATTACTGAATTCTTTGAAAT-3'
Protein context (NP_001175.2, residues 105-125): TRLLRIAATP[Ser115Cys]CHLLHKKICE

ClinVar aggregate classification (germline): Uncertain significance (1 of 4 stars; one submission).

Conditions:
Inborn genetic diseases. Identifiers: MedGen C0950123, MeSH D030342.

Submission:

Ambry Genetics
Classification: Uncertain significance for Inborn genetic diseases. Last evaluated: 2024-09-05. Review status: criteria provided, single submitter. Criteria: Ambry Variant Classification Scheme 2023. Collection method: clinical testing. Allele origin: germline.
Comment: The p.S115C variant (also known as c.344C>G), located in coding exon 4 of the ATR gene, results from a C to G substitution at nucleotide position 344. The serine at codon 115 is replaced by cysteine, an amino acid with dissimilar properties. This amino acid position is conserved. In addition, this alteration is predicted to be tolerated by in silico analysis. Based on the available evidence, the clinical significance of this variant remains unclear.